The following is an entry in ClinVar:

NM_003579.4(RAD54L):c.1079C>G (p.Pro360Arg)

Gene: RAD54L (RAD54 like; plus strand). Cytogenetic location: 1p34.1.
Variant type: single nucleotide variant.
Coding change: c.1079C>G on transcript NM_003579.4 (MANE Select); coding-DNA position 1079, C replaced by G.
Protein change: p.Pro360Arg; replaces proline 360 with arginine.
Molecular consequence: missense variant.
Genome position (GRCh38, 1-based): chr1:46,270,695, C>G. VCF-style: chr1-46270695-C-G. GRCh37 (hg19) VCF-style: chr1-46736367-C-G.
Other names: c.1079C>G, p.Pro360Arg (NM_001142548.2); c.539C>G, p.Pro180Arg (NM_001370766.1); short protein forms P180R, P360R.
Identifiers: ClinVar variation 1785691 (VCV001785691.2), dbSNP rs2525700865, ClinGen allele CA340174709.

ClinVar aggregate classification (germline): Uncertain significance (1 of 4 stars; one submission).

Allele frequency attached by ClinVar (database versions not stated): gnomAD exomes below 0.00001.
gnomAD v4.1: 1 of 1,611,438 alleles (0.000062%); highest among the groups gnomAD compares: South Asian, 0.0011%; no homozygotes.

Submission:

Ambry Genetics
Classification: Uncertain significance. Last evaluated: 2022-07-02. Review status: criteria provided, single submitter. Criteria: Ambry Variant Classification Scheme 2023. Collection method: clinical testing. Allele origin: germline.
Comment: The p.P360R variant (also known as c.1079C>G), located in coding exon 10 of the RAD54L gene, results from a C to G substitution at nucleotide position 1079. The proline at codon 360 is replaced by arginine, an amino acid with dissimilar properties. This amino acid position is conserved. In addition, this alteration is predicted to be deleterious by in silico analysis. Since supporting evidence is limited at this time, the clinical significance of this alteration remains unclear.